The following is an entry in ClinVar:

NM_001130987.2(DYSF):c.1536_1539del (p.Ser513fs)

Gene: DYSF (dysferlin; plus strand). Cytogenetic location: 2p13.2.
Variant type: Deletion.
Coding change: c.1536_1539del on transcript NM_001130987.2 (MANE Select); coding-DNA positions 1536 to 1539, 4 bases deleted (GAGT; older notation c.1536_1539delGAGT).
Protein change: p.Ser513fs; shifts the reading frame from serine 513.
Molecular consequence: frameshift variant.
Genome position (GRCh38, 1-based): chr2:71,539,199-71,539,202, GAGT deleted; deleting any 4 consecutive bases within chr2:71,539,198-71,539,202 gives the same sequence; the c. name uses the placement nearest the transcript's 3' end. VCF-style (leftmost placement, unchanged base first): chr2-71539197-CTGAG-C. GRCh37 (hg19) VCF-style: chr2-71766327-CTGAG-C.
Other names: c.1443_1446del, p.Ser482fs (NM_001130455.2, NM_001130983.2, NM_001130984.2 and 1 more transcripts); c.1440_1443del, p.Ser481fs (NM_001130976.2, NM_001130977.2, NM_001130978.2 and 1 more transcripts); c.1533_1536del, p.Ser512fs (NM_001130979.2, NM_001130980.2, NM_001130981.2); c.1536_1539del, p.Ser513fs (NM_001130982.2, NM_001130985.2); c.1440_1443delGAGT (NM_003494.3); short protein forms S513fs, S481fs, S482fs, S512fs.
Identifiers: ClinVar variation 869486 (VCV000869486.8), dbSNP rs774402454, ClinGen allele CA49782801.

ClinVar aggregate classification (germline): Pathogenic/Likely pathogenic. Review status: criteria provided, multiple submitters, no conflicts (2 of 4 stars). 4 submissions from 4 submitters: Pathogenic (2); Likely pathogenic (1). 1 of the submissions does not count toward it. Last evaluated 2025-12-17.

Conditions:
Neuromuscular disease caused by qualitative or quantitative defects of dysferlin. Also called: Dysferlinopathy; Qualitative or quantitative defects of dysferlin. Identifiers: Orphanet 207073, MedGen C2931687, MONDO:0016145.
Autosomal recessive limb-girdle muscular dystrophy type 2B (LGMDR2). Also called: MUSCULAR DYSTROPHY, LIMB-GIRDLE, TYPE 3; Limb-girdle muscular dystrophy, type 2B; Limb-Girdle Muscular Dystrophy Type 2B (LGMD2B); MUSCULAR DYSTROPHY, LIMB-GIRDLE, AUTOSOMAL RECESSIVE 2. Identifiers: Orphanet 268, MedGen C1850889, MONDO:0009676, OMIM 253601.

Submissions (4):

Natera, Inc.
Classification: Pathogenic for Limb-girdle muscular dystrophy type 2B. Last evaluated: 2025-12-17. Review status: criteria provided, single submitter. Criteria: Natera Variant Classification Schema (03/2026). Collection method: clinical testing. Allele origin: germline.
Comment: The c.1440_1443delGAGT variant in DYSF is a frameshift variant predicted to shift the reading frame beginning at codon 481 and leads to a stop codon 11 codons downstream. This variant is expected to result in nonsense mediated decay, truncation, or a dysfunctional protein product. This variant is rare in the general population with a frequency below the threshold expected for the associated phenotype(s). This variant has been observed in one or more individuals affected with the associated recessive disease, as either homozygous or compound heterozygous with a second variant (PMID: 33927379, 33613410). Given the available evidence, this variant is classified as Pathogenic.

Labcorp Genetics (formerly Invitae), Labcorp
Classification: Pathogenic for Neuromuscular disease caused by qualitative or quantitative defects of dysferlin. Last evaluated: 2024-02-14. Review status: criteria provided, single submitter. Criteria: Invitae Variant Classification Sherloc (09022015). Collection method: clinical testing. Allele origin: germline.
Comment: This sequence change creates a premature translational stop signal (p.Ser481Cysfs*11) in the DYSF gene. It is expected to result in an absent or disrupted protein product. Loss-of-function variants in DYSF are known to be pathogenic (PMID: 17698709, 20301480). This variant is not present in population databases (gnomAD no frequency). This premature translational stop signal has been observed in individual(s) with dysferlinopathy (PMID: 33613410). ClinVar contains an entry for this variant (Variation ID: 869486). For these reasons, this variant has been classified as Pathogenic.

Revvity Omics, Revvity
Classification: Likely pathogenic. Last evaluated: 2022-05-23. Review status: criteria provided, single submitter. Criteria: ACMG Guidelines, 2015. Collection method: clinical testing. Allele origin: germline.

Department of Neurology, Guangzhou First People’s Hospital, School of Medicine, South China University of Technology
Classification: Pathogenic. Last evaluated: 2019-07-01. Review status: no assertion criteria provided. Collection method: reference population. Allele origin: germline. Affected: yes. Not counted in ClinVar's aggregate classification.

Literature cited by the submitters: PubMed 33927379 (cited by Natera, Inc.); PubMed 33613410 (cited by Natera, Inc. and Labcorp Genetics (formerly Invitae), Labcorp); PubMed 17698709 (cited by Labcorp Genetics (formerly Invitae), Labcorp); PubMed 20301480 (cited by Labcorp Genetics (formerly Invitae), Labcorp).